The following is an entry in ClinVar:

ClinVar aggregate classification (germline): Uncertain significance. Review status: criteria provided, multiple submitters, no conflicts (2 of 4 stars). 2 submissions from 2 submitters: Uncertain significance (2). Last evaluated 2025-08-29.

Allele frequency attached by ClinVar (database versions not stated): gnomAD exomes below 0.00001.
gnomAD v4.1: 1 of 1,614,186 alleles (0.000062%); highest among the groups gnomAD compares: Non-Finnish European, 0.000085%; no homozygotes.

Submissions (2):

Ambry Genetics
Classification: Uncertain significance. Last evaluated: 2025-08-29. Review status: criteria provided, single submitter. Criteria: Ambry Variant Classification Scheme 2023. Collection method: clinical testing. Allele origin: germline.
Comment: The p.D237H variant (also known as c.709G>C), located in coding exon 1 of the EGLN1 gene, results from a G to C substitution at nucleotide position 709. The aspartic acid at codon 237 is replaced by histidine, an amino acid with similar properties. This amino acid position is conserved. In addition, the in silico prediction for this alteration is inconclusive. Since supporting evidence is limited at this time, the clinical significance of this alteration remains unclear.

GeneDx
Classification: Uncertain significance. Last evaluated: 2022-04-19. Review status: criteria provided, single submitter. Criteria: GeneDx Variant Classification Process June 2021. Collection method: clinical testing. Allele origin: germline. Affected: yes.
Comment: Not observed at significant frequency in large population cohorts (gnomAD); In silico analysis supports that this missense variant has a deleterious effect on protein structure/function; Identified in a cohort of individuals with erythrocytosis in published literature (Gangat et al., 2022); This variant is associated with the following publications: (PMID: 35142155)

NM_022051.3(EGLN1):c.709G>C (p.Asp237His)

Gene: EGLN1 (egl-9 family hypoxia inducible factor 1; minus strand). Cytogenetic location: 1q42.2.
Variant type: single nucleotide variant.
Coding change: c.709G>C on transcript NM_022051.3 (MANE Select); coding-DNA position 709, G replaced by C.
Protein change: p.Asp237His; replaces aspartic acid 237 with histidine.
Molecular consequence: missense variant.
Genome position (GRCh38, 1-based): chr1:231,421,180, C>G on the plus strand (G>C on the coding strand, the complement: EGLN1 is on the minus strand). VCF-style: chr1-231421180-C-G. GRCh37 (hg19) VCF-style: chr1-231556926-C-G.
Other names: c.709G>C, p.Asp237His (NM_001377260.1, NM_001377261.1); short protein forms D237H.
Identifiers: ClinVar variation 1712037 (VCV001712037.5), dbSNP rs2527358848, ClinGen allele CA345235727.
Genomic context (GRCh38, chr1:231,421,180, plus strand): 5'-TGATCTTATCGCCTCGGATGTCCTTGGACGAGTCACTCTTCTGGCTGACCAGCTGCCCGT[C>G]CGTGAACTTCCCGGTGTCGTGCAGGGCGCGCACCTCGTCGCCGATCTGCTGTCCGGTCTC-3'
Protein context (NP_071334.1, residues 227-247): RALHDTGKFT[Asp237His]GQLVSQKSDS